The following is an entry in ClinVar:

NM_007078.3(LDB3):c.690-4896C>G

Genes: LDB3 (LIM domain binding 3; plus strand), LOC110121486 (VISTA enhancer hs2143; plus strand). Cytogenetic location: 10q23.2.
Variant type: single nucleotide variant.
Coding change: c.690-4896C>G on transcript NM_007078.3 (MANE Select); 4896 bases into the intron before coding-DNA position 690, C replaced by G.
Molecular consequence: intron variant.
Genome position (GRCh38, 1-based): chr10:86,687,000, C>G. VCF-style: chr10-86687000-C-G. GRCh37 (hg19) VCF-style: chr10-88446757-C-G.
Other names: c.690-4896C>G (NM_001368064.1, NM_001368063.1, NM_001368065.1 and 1 more transcripts); c.345-69C>G (NM_001368068.1, NM_001368066.1, NM_001080114.2 and 2 more transcripts); c.690-69C>G (NM_001171610.2, NM_001171611.2).
Identifiers: ClinVar variation 676593 (VCV000676593.2), dbSNP rs113616598, ClinGen allele CA211180848.

ClinVar aggregate classification (germline): Likely benign. Review status: criteria provided, multiple submitters, no conflicts (2 of 4 stars). 2 submissions from 2 submitters: Likely benign (2). Last evaluated 2018-06-14.

Allele frequency attached by ClinVar (database versions not stated): gnomAD 0.00455 and 0.00485; TOPMed 0.00518; 1000 Genomes Project 0.00519; 1000 Genomes Project 30x 0.00640.
gnomAD v4.1: 1,321 of 1,477,192 alleles (0.089%); highest among the groups gnomAD compares: African/African-American, 1.6%; 10 homozygotes.

Submissions (2):

GeneDx
Classification: Likely benign. Last evaluated: 2018-06-14. Review status: criteria provided, single submitter. Criteria: GeneDx Variant Classification (06012015). Collection method: clinical testing. Allele origin: germline. Affected: yes.
Comment: This variant is considered likely benign or benign based on one or more of the following criteria: it is a conservative change, it occurs at a poorly conserved position in the protein, it is predicted to be benign by multiple in silico algorithms, and/or has population frequency not consistent with disease.

Breakthrough Genomics
Classification: Likely benign. Review status: criteria provided, single submitter. Criteria: ACMG Guidelines, 2015. Collection method: not provided. Allele origin: germline. Inheritance: Autosomal dominant inheritance. Affected: yes.